The following is an entry in ClinVar:

ClinVar aggregate classification (germline): Likely benign (1 of 4 stars; one submission).

Allele frequency attached by ClinVar (database versions not stated): TOPMed 0.00103; 1000 Genomes Project 30x 0.00109; 1000 Genomes Project 0.00120; gnomAD 0.00271.
gnomAD v4.1: 407 of 152,322 alleles (0.27%); highest among the groups gnomAD compares: Non-Finnish European, 0.26%; 4 homozygotes.

Submission:

CeGaT Center for Human Genetics Tuebingen
Classification: Likely benign. Last evaluated: 2023-03-01. Review status: criteria provided, single submitter. Criteria: CeGaT Center For Human Genetics Tuebingen Variant Classification Criteria Version 2. Collection method: clinical testing. Allele origin: germline. Affected: yes. Observed: 3 variant alleles.
Comment: AKT3: BS1

NM_005465.7(AKT3):c.1252-12185A>C

Gene: AKT3 (AKT serine/threonine kinase 3; minus strand). Cytogenetic location: 1q44.
Variant type: single nucleotide variant.
Coding change: c.1252-12185A>C on transcript NM_005465.7 (MANE Select); 12185 bases into the intron before coding-DNA position 1252, A replaced by C.
Molecular consequence: intron variant.
Genome position (GRCh38, 1-based): chr1:243,524,611, T>G on the plus strand (A>C on the coding strand, the complement: AKT3 is on the minus strand). VCF-style: chr1-243524611-T-G. GRCh37 (hg19) VCF-style: chr1-243687913-T-G.
Other names: c.1252-12185A>C (NM_181690.2, NM_001370074.1, NM_001206729.2).
Identifiers: ClinVar variation 1711246 (VCV001711246.30), dbSNP rs138339432, ClinGen allele CA41020592.